The following is an entry in ClinVar:

ClinVar aggregate classification (germline): Uncertain significance (1 of 4 stars; one submission).

Conditions:
Inborn genetic diseases. Identifiers: MedGen C0950123, MeSH D030342.

Submission:

Ambry Genetics
Classification: Uncertain significance for Inborn genetic diseases. Last evaluated: 2025-12-01. Review status: criteria provided, single submitter. Criteria: Ambry Variant Classification Scheme 2023. Collection method: clinical testing. Allele origin: germline.
Comment: The p.T280I variant (also known as c.839C>T), located in coding exon 6 of the MIB1 gene, results from a C to T substitution at nucleotide position 839. The threonine at codon 280 is replaced by isoleucine, an amino acid with similar properties. This amino acid position is conserved. In addition, the in silico prediction for this alteration is inconclusive. Based on the available evidence, the clinical significance of this variant remains unclear.

NM_020774.4(MIB1):c.839C>T (p.Thr280Ile)

Gene: MIB1 (MIB E3 ubiquitin protein ligase 1; plus strand). Cytogenetic location: 18q11.2.
Variant type: single nucleotide variant.
Coding change: c.839C>T on transcript NM_020774.4 (MANE Select); coding-DNA position 839, C replaced by T.
Protein change: p.Thr280Ile; replaces threonine 280 with isoleucine.
Molecular consequence: missense variant.
Genome position (GRCh38, 1-based): chr18:21,779,616, C>T. VCF-style: chr18-21779616-C-T. GRCh37 (hg19) VCF-style: chr18-19359577-C-T.
Other names: short protein forms T280I.
Identifiers: ClinVar variation 4625001 (VCV004625001.1).